The following is an entry in ClinVar:

NM_015166.4(MLC1):c.*1334G>A

Gene: MLC1 (modulator of VRAC current 1; minus strand). Cytogenetic location: 22q13.33.
Variant type: single nucleotide variant.
Coding change: c.*1334G>A on transcript NM_015166.4 (MANE Select); 1334 bases downstream of the stop codon, G replaced by A.
Molecular consequence: 3 prime UTR variant. On other transcripts: intron variant (2).
Genome position (GRCh38, 1-based): chr22:50,060,249, C>T on the plus strand (G>A on the coding strand, the complement: MLC1 is on the minus strand). VCF-style: chr22-50060249-C-T. GRCh37 (hg19) VCF-style: chr22-50498678-C-T.
Other names: c.*1334G>A (NM_001376472.1, NM_001376473.1, NM_001376474.1 and 9 more transcripts); c.*46-97G>A (NM_001376478.1, NM_001376477.1).
Identifiers: ClinVar variation 342083 (VCV000342083.6), dbSNP rs2294382, ClinGen allele CA10651495.

ClinVar aggregate classification (germline): Benign. Review status: criteria provided, multiple submitters, no conflicts (2 of 4 stars). 2 submissions from 2 submitters: Benign (2). Last evaluated 2018-01-13.

Conditions:
Megalencephalic leukoencephalopathy with subcortical cysts 1 (MLC1). Also called: LEUKOENCEPHALOPATHY WITH SWELLING AND CYSTS; VACUOLATING MEGALENCEPHALIC LEUKOENCEPHALOPATHY WITH SUBCORTICAL CYSTS. Identifiers: Orphanet 2478, MedGen C5779875, MONDO:0024555, OMIM 604004.

Allele frequency attached by ClinVar (database versions not stated): TOPMed 0.01061; gnomAD 0.01127 and 0.01288; 1000 Genomes Project 30x 0.02202; 1000 Genomes Project 0.02296.

Submissions (2):

Illumina Laboratory Services, Illumina
Classification: Benign for Megalencephalic leukoencephalopathy with subcortical cysts 1. Last evaluated: 2018-01-13. Review status: criteria provided, single submitter. Criteria: ICSL Variant Classification Criteria 13 December 2019. Collection method: clinical testing. Allele origin: germline.
Comment: This variant was observed in the ICSL laboratory as part of a predisposition screen in an ostensibly healthy population. It had not been previously curated by ICSL or reported in the Human Gene Mutation Database (HGMD: prior to June 1st, 2018), and was therefore a candidate for classification through an automated scoring system. Utilizing variant allele frequency, disease prevalence and penetrance estimates, and inheritance mode, an automated score was calculated to assess if this variant is too frequent to cause the disease. Based on the score and internal cut-off values, a variant classified as benign is not then subjected to further curation. The score for this variant resulted in a classification of benign for this disease.

Breakthrough Genomics
Classification: Benign. Review status: criteria provided, single submitter. Criteria: ACMG Guidelines, 2015. Collection method: not provided. Allele origin: germline. Inheritance: Autosomal recessive inheritance. Affected: yes.